The following is an entry in ClinVar:

NM_000038.6(APC):c.1479C>G (p.Tyr493Ter)

Gene: APC (APC regulator of Wnt signaling pathway; plus strand). Cytogenetic location: 5q22.2.
Variant type: single nucleotide variant.
Coding change: c.1479C>G on transcript NM_000038.6 (MANE Select); coding-DNA position 1479, C replaced by G.
Protein change: p.Tyr493Ter; replaces tyrosine 493 with a stop codon.
Molecular consequence: nonsense.
Genome position (GRCh38, 1-based): chr5:112,827,178, C>G. VCF-style: chr5-112827178-C-G. GRCh37 (hg19) VCF-style: chr5-112162875-C-G.
Other names: c.1479C>G, p.Tyr493Ter (NM_001127510.3, NM_001354895.2, NM_001407450.1); c.1425C>G, p.Tyr475Ter (NM_001127511.3); c.1533C>G, p.Tyr511Ter (NM_001354896.2, NM_001407447.1, NM_001407448.1 and 1 more transcripts); c.1509C>G, p.Tyr503Ter (NM_001354897.2); c.1404C>G, p.Tyr468Ter (NM_001354898.2); c.1395C>G, p.Tyr465Ter (NM_001354899.2); c.1356C>G, p.Tyr452Ter (NM_001354900.2); c.1302C>G, p.Tyr434Ter (NM_001354901.2, NM_001407453.1); and 11 more; short protein forms Y109*, Y210*, Y333*, Y364*, Y367*, Y392*, Y402*, Y410*.
Identifiers: ClinVar variation 2584059 (VCV002584059.1), dbSNP rs1561553939, ClinGen allele CA16024546.

ClinVar aggregate classification (germline): Pathogenic (1 of 4 stars; one submission).

Conditions:
Familial adenomatous polyposis 1 (FAP1). Also called: FAMILIAL ADENOMATOUS POLYPOSIS 1, ATTENUATED; POLYPOSIS, ADENOMATOUS INTESTINAL. Identifiers: MedGen C2713442, MONDO:0021056, OMIM 175100. Disease mechanism: loss of function.

Submission:

Myriad Genetics, Inc.
Classification: Pathogenic for Familial adenomatous polyposis 1. Last evaluated: 2023-05-01. Review status: criteria provided, single submitter. Criteria: Myriad Autosomal Dominant, Autosomal Recessive and X-Linked Classification Criteria (2023). Collection method: clinical testing. Allele origin: unknown.
Comment: This variant is considered pathogenic. This variant creates a termination codon and is predicted to result in premature protein truncation.